The following is an entry in ClinVar:

ClinVar aggregate classification (germline): Uncertain significance (1 of 4 stars; one submission).

Allele frequency attached by ClinVar (database versions not stated): TOPMed below 0.00001; gnomAD 0.00001.
gnomAD v4.1: 1 of 1,597,610 alleles (0.000063%); highest among the groups gnomAD compares: African/African-American, 0.0013%; no homozygotes.

Submission:

GeneDx
Classification: Uncertain significance. Last evaluated: 2023-04-13. Review status: criteria provided, single submitter. Criteria: GeneDx Variant Classification Process June 2021. Collection method: clinical testing. Allele origin: germline. Affected: yes.
Comment: Not observed at significant frequency in large population cohorts (gnomAD); In silico analysis supports that this missense variant does not alter protein structure/function; Has not been previously published as pathogenic or benign to our knowledge

NM_002180.3(IGHMBP2):c.2604A>C (p.Lys868Asn)

Gene: IGHMBP2 (immunoglobulin mu DNA binding protein 2; plus strand). Cytogenetic location: 11q13.3.
Variant type: single nucleotide variant.
Coding change: c.2604A>C on transcript NM_002180.3 (MANE Select); coding-DNA position 2604, A replaced by C.
Protein change: p.Lys868Asn; replaces lysine 868 with asparagine.
Molecular consequence: missense variant.
Genome position (GRCh38, 1-based): chr11:68,937,084, A>C. VCF-style: chr11-68937084-A-C. GRCh37 (hg19) VCF-style: chr11-68704552-A-C.
Other names: short protein forms K868N.
Identifiers: ClinVar variation 2662712 (VCV002662712.1), dbSNP rs1307749387, ClinGen allele CA381654152.